The following is an entry in ClinVar:

NM_003803.4(MYOM1):c.637C>T (p.Gln213Ter)

Gene: MYOM1 (myomesin 1; minus strand). Cytogenetic location: 18p11.31.
Variant type: single nucleotide variant.
Coding change: c.637C>T on transcript NM_003803.4 (MANE Select); coding-DNA position 637, C replaced by T.
Protein change: p.Gln213Ter; replaces glutamine 213 with a stop codon.
Molecular consequence: nonsense.
Genome position (GRCh38, 1-based): chr18:3,188,882, G>A on the plus strand (C>T on the coding strand, the complement: MYOM1 is on the minus strand). VCF-style: chr18-3188882-G-A. GRCh37 (hg19) VCF-style: chr18-3188880-G-A.
Other names: c.637C>T, p.Gln213Ter (NM_019856.2); short protein forms Q213*.
Identifiers: ClinVar variation 2140824 (VCV002140824.4), dbSNP rs576935676, ClinGen allele CA8875187.

ClinVar aggregate classification (germline): Uncertain significance (1 of 4 stars; one submission).

Conditions:
Hypertrophic cardiomyopathy. Also called: HYPERTROPHIC MYOCARDIOPATHY. Identifiers: Orphanet 217569, MedGen C0007194, MeSH D002312, MONDO:0005045, HP:0001639.

Allele frequency attached by ClinVar (database versions not stated): ExAC 0.00002; gnomAD exomes 0.00002.

Submission:

Labcorp Genetics (formerly Invitae), Labcorp
Classification: Uncertain significance for Hypertrophic cardiomyopathy. Last evaluated: 2023-08-04. Review status: criteria provided, single submitter. Criteria: Invitae Variant Classification Sherloc (09022015). Collection method: clinical testing. Allele origin: germline.
Comment: This sequence change creates a premature translational stop signal (p.Gln213*) in the MYOM1 gene. It is expected to result in an absent or disrupted protein product. However, the current clinical and genetic evidence is not sufficient to establish whether loss-of-function variants in MYOM1 cause disease. This variant is present in population databases (rs576935676, gnomAD 0.03%). This premature translational stop signal has been observed in individual(s) with MYOM1-related conditions (PMID: 33658040). ClinVar contains an entry for this variant (Variation ID: 2140824). Algorithms developed to predict the effect of sequence changes on RNA splicing suggest that this variant may create or strengthen a splice site. In summary, the available evidence is currently insufficient to determine the role of this variant in disease. Therefore, it has been classified as a Variant of Uncertain Significance.

Literature cited by the submitters: PubMed 33658040.